The following is an entry in ClinVar:

NM_000487.6(ARSA):c.131C>T (p.Pro44Leu)

Gene: ARSA (arylsulfatase A; minus strand). Cytogenetic location: 22q13.33.
Variant type: single nucleotide variant.
Coding change: c.131C>T on transcript NM_000487.6 (MANE Select); coding-DNA position 131, C replaced by T.
Protein change: p.Pro44Leu; replaces proline 44 with leucine.
Molecular consequence: missense variant. On other transcripts: intron variant (2).
Genome position (GRCh38, 1-based): chr22:50,627,649, G>A on the plus strand (C>T on the coding strand, the complement: ARSA is on the minus strand). VCF-style: chr22-50627649-G-A. GRCh37 (hg19) VCF-style: chr22-51066077-G-A.
Other names: p.Pro44Leu; c.131C>T, p.Pro44Leu (NM_001085425.3, NM_001085426.3, NM_001085427.3); c.-34-243C>T (NM_001362782.2, NM_001085428.3); short protein forms P44L.
Identifiers: ClinVar variation 1404123 (VCV001404123.6), dbSNP rs1340814173, ClinGen allele CA412182811.

ClinVar aggregate classification (germline): Uncertain significance. Review status: criteria provided, multiple submitters, no conflicts (2 of 4 stars). 2 submissions from 2 submitters: Uncertain significance (2). Last evaluated 2024-08-09.

Conditions:
Metachromatic leukodystrophy (MLD). Also called: Cerebral sclerosis diffuse metachromatic form; Arylsulfatase A Deficiency; SULFATIDE LIPIDOSIS; ARSA DEFICIENCY; CEREBROSIDE SULFATASE DEFICIENCY; METACHROMATIC LEUKOENCEPHALOPATHY. Identifiers: Orphanet 512, MedGen C0023522, MONDO:0018868, OMIM 250100.

Allele frequency attached by ClinVar (database versions not stated): TOPMed below 0.00001; gnomAD 0.00001; gnomAD exomes 0.00001.
gnomAD v4.1: 11 of 1,559,960 alleles (0.00071%); highest among the groups gnomAD compares: African/African-American, 0.0014%; no homozygotes.

Submissions (2):

Mayo Clinic Laboratories, Mayo Clinic
Classification: Uncertain significance. Last evaluated: 2024-08-09. Review status: criteria provided, single submitter. Criteria: ACMG Guidelines, 2015. Collection method: clinical testing. Allele origin: germline. Observed: 1 variant allele.
Comment: PP3, PM2

Labcorp Genetics (formerly Invitae), Labcorp
Classification: Uncertain significance for Metachromatic leukodystrophy. Last evaluated: 2021-08-26. Review status: criteria provided, single submitter. Criteria: Invitae Variant Classification Sherloc (09022015). Collection method: clinical testing. Allele origin: germline.
Comment: This sequence change replaces proline with leucine at codon 44 of the ARSA protein (p.Pro44Leu). The proline residue is highly conserved and there is a moderate physicochemical difference between proline and leucine. This variant is not present in population databases (ExAC no frequency). This variant has not been reported in the literature in individuals affected with ARSA-related conditions. Algorithms developed to predict the effect of missense changes on protein structure and function (SIFT, PolyPhen-2, Align-GVGD) all suggest that this variant is likely to be disruptive. In summary, the available evidence is currently insufficient to determine the role of this variant in disease. Therefore, it has been classified as a Variant of Uncertain Significance.